The following is an entry in ClinVar:

ClinVar aggregate classification (germline): Conflicting classifications of pathogenicity. Review status: criteria provided, conflicting classifications (1 of 4 stars). 5 submissions from 4 submitters: Uncertain significance (2); Likely benign (3). Last evaluated 2025-12-10.

Conditions:
Cardiovascular phenotype. Identifiers: MedGen CN230736.
Dilated cardiomyopathy 1O (CMD1O). Also called: CARDIOMYOPATHY, DILATED, WITH VENTRICULAR TACHYCARDIA. Identifiers: Orphanet 154, MedGen C1837839, MONDO:0012062, OMIM 608569.
Hypertrichotic osteochondrodysplasia Cantu type. Also called: Cantu Syndrome; Cantú Syndrome. Identifiers: Orphanet 1517, MedGen C0795905, MONDO:0009406, OMIM 239850.

Allele frequency attached by ClinVar (database versions not stated): gnomAD exomes below 0.00001.
gnomAD v4.1: 4 of 1,612,246 alleles (0.00025%); highest among the groups gnomAD compares: African/African-American, 0.0013%; no homozygotes.

Submissions (5):

Labcorp Genetics (formerly Invitae), Labcorp
Classification: Likely benign for Dilated cardiomyopathy 1O. Last evaluated: 2025-12-10. Review status: criteria provided, single submitter. Criteria: Invitae Variant Classification Sherloc (09022015). Collection method: clinical testing. Allele origin: germline.

Ambry Genetics
Classification: Likely benign for Cardiovascular phenotype. Last evaluated: 2019-06-10. Review status: criteria provided, single submitter. Criteria: Ambry Variant Classification Scheme 2023. Collection method: clinical testing. Allele origin: germline.

Illumina Laboratory Services, Illumina
Classification: Uncertain significance for Dilated cardiomyopathy 1O. Last evaluated: 2018-01-13. Review status: criteria provided, single submitter. Criteria: ICSL Variant Classification Criteria 13 December 2019. Collection method: clinical testing. Allele origin: germline.

Illumina Laboratory Services, Illumina
Classification: Uncertain significance for Hypertrichotic osteochondrodysplasia Cantu type. Last evaluated: 2018-01-13. Review status: criteria provided, single submitter. Criteria: ICSL Variant Classification Criteria 13 December 2019. Collection method: clinical testing. Allele origin: germline.

GeneDx
Classification: Likely benign. Last evaluated: 2017-10-19. Review status: criteria provided, single submitter. Criteria: GeneDx Variant Classification (06012015). Collection method: clinical testing. Allele origin: germline. Affected: yes.
Comment: This variant is considered likely benign or benign based on one or more of the following criteria: it is a conservative change, it occurs at a poorly conserved position in the protein, it is predicted to be benign by multiple in silico algorithms, and/or has population frequency not consistent with disease.

NM_020297.4(ABCC9):c.133T>C (p.Leu45=)

Gene: ABCC9 (ATP binding cassette subfamily C member 9; minus strand). Cytogenetic location: 12p12.1.
Variant type: single nucleotide variant.
Coding change: c.133T>C on transcript NM_020297.4 (MANE Select); coding-DNA position 133, T replaced by C.
Protein change: p.Leu45=; no amino-acid change (leucine 45 retained).
Molecular consequence: synonymous variant. On other transcripts: 5 prime UTR variant (1).
Genome position (GRCh38, 1-based): chr12:21,936,542, A>G on the plus strand (T>C on the coding strand, the complement: ABCC9 is on the minus strand). VCF-style: chr12-21936542-A-G. GRCh37 (hg19) VCF-style: chr12-22089476-A-G.
Other names: c.133T>C, p.Leu45= (NM_001377273.1, NM_005691.4); c.-322T>C (NM_001377274.1).
Identifiers: ClinVar variation 512729 (VCV000512729.15), dbSNP rs1555125400, ClinGen allele CA478874479.